The following is an entry in ClinVar:

NM_001283009.2(RTEL1):c.460G>C (p.Glu154Gln)

Genes: RTEL1 (regulator of telomere elongation helicase 1; plus strand), RTEL1-TNFRSF6B (RTEL1-TNFRSF6B readthrough (NMD candidate); plus strand). Cytogenetic location: 20q13.33.
Variant type: single nucleotide variant.
Coding change: c.460G>C on transcript NM_001283009.2 (MANE Select); coding-DNA position 460, G replaced by C.
Protein change: p.Glu154Gln; replaces glutamic acid 154 with glutamine.
Molecular consequence: missense variant. On other transcripts: non-coding transcript variant (1), 5 prime UTR variant (1).
Genome position (GRCh38, 1-based): chr20:63,662,610, G>C. VCF-style: chr20-63662610-G-C. GRCh37 (hg19) VCF-style: chr20-62293963-G-C.
Other names: c.-210G>C (NM_001283010.1); c.460G>C, p.Glu154Gln (NM_016434.4); c.532G>C, p.Glu178Gln (NM_032957.5); short protein forms E178Q, E154Q.
Identifiers: ClinVar variation 1449561 (VCV001449561.6), dbSNP rs2146154075, ClinGen allele CA409669705.

ClinVar aggregate classification (germline): Uncertain significance (1 of 4 stars; one submission).

Conditions:
Dyskeratosis congenita, autosomal recessive 5 (DKCB5). Identifiers: MedGen C3554656, MONDO:0014076, OMIM 615190.
Pulmonary fibrosis and/or bone marrow failure, Telomere-related, 3. Also called: PULMONARY FIBROSIS AND/OR BONE MARROW FAILURE SYNDROME, TELOMERE-RELATED, 3. Identifiers: Orphanet 2032, MedGen C4225346, MONDO:0014613, OMIM 616373.

Submission:

Labcorp Genetics (formerly Invitae), Labcorp
Classification: Uncertain significance for Dyskeratosis congenita, autosomal recessive 5; Pulmonary fibrosis and/or bone marrow failure, Telomere-related, 3. Last evaluated: 2025-03-03. Review status: criteria provided, single submitter. Criteria: Invitae Variant Classification Sherloc (09022015). Collection method: clinical testing. Allele origin: germline.
Comment: This sequence change replaces glutamic acid, which is acidic and polar, with glutamine, which is neutral and polar, at codon 154 of the RTEL1 protein (p.Glu154Gln). This variant is not present in population databases (gnomAD no frequency). This variant has not been reported in the literature in individuals affected with RTEL1-related conditions. ClinVar contains an entry for this variant (Variation ID: 1449561). An algorithm developed to predict the effect of missense changes on protein structure and function (PolyPhen-2) suggests that this variant is likely to be disruptive. In summary, the available evidence is currently insufficient to determine the role of this variant in disease. Therefore, it has been classified as a Variant of Uncertain Significance.